The following is an entry in ClinVar:

NR_046473.1(MEG3):n.1700C>T

Gene: MEG3 (maternally expressed 3; plus strand). Cytogenetic location: 14q32.2.
Variant type: single nucleotide variant.
Molecular consequence: non-coding transcript variant (on NR_046473.1).
Genome position: GRCh38 VCF-style: chr14-100846316-C-T. GRCh37 (hg19) VCF-style: chr14-101312653-C-T.
Identifiers: ClinVar variation 3055213 (VCV003055213.2), dbSNP rs149034974, ClinGen allele CA266868172.
Genomic context (GRCh38, chr14:100,846,316, plus strand): 5'-TGAAACAGGTTTCTCATGGGGATGGTCATTCACCACGGTCCAGAGGGGCAGAACAGGCGG[C>T]GCTTGCCTTGCCCAGGGGGCCTGGGGAACGTGGGCCCTCATCTCAGATCTGCCCCCAGTA-3'

ClinVar aggregate classification (germline): Likely benign (0 of 4 stars; one submission).

Conditions:
MEG3-related disorder. Also called: MEG3-related condition.

Allele frequency attached by ClinVar (database versions not stated): gnomAD 0.00056; TOPMed 0.00071; 1000 Genomes Project 0.00120; 1000 Genomes Project 30x 0.00125.

Submission:

PreventionGenetics, part of Exact Sciences
Classification: Likely benign for MEG3-related condition. Last evaluated: 2022-11-11. Review status: no assertion criteria provided. Collection method: clinical testing. Allele origin: germline.
Comment: This variant is classified as likely benign based on ACMG/AMP sequence variant interpretation guidelines (Richards et al. 2015 PMID: 25741868, with internal and published modifications).